The following is an entry in ClinVar:

ClinVar aggregate classification (germline): Uncertain significance (1 of 4 stars; one submission).

Conditions:
Cohen syndrome (COH1). Also called: PEPPER SYNDROME; Cutis verticis gyrata, retinitis pigmentosa, and sensorineural deafness. Identifiers: Orphanet 193, MedGen C0265223, MONDO:0008999, OMIM 216550.

Allele frequency attached by ClinVar (database versions not stated): gnomAD exomes 0.00001 and 0.00002; TOPMed 0.00001.
gnomAD v4.1: 8 of 1,614,108 alleles (0.0005%); highest among the groups gnomAD compares: Admixed American, 0.01%; 1 homozygote.

Submission:

Labcorp Genetics (formerly Invitae), Labcorp
Classification: Uncertain significance for Cohen syndrome. Last evaluated: 2024-09-05. Review status: criteria provided, single submitter. Criteria: Invitae Variant Classification Sherloc (09022015). Collection method: clinical testing. Allele origin: germline.
Comment: This sequence change replaces glycine, which is neutral and non-polar, with aspartic acid, which is acidic and polar, at codon 2112 of the VPS13B protein (p.Gly2112Asp). This variant is present in population databases (no rsID available, gnomAD 0.01%), including at least one homozygous and/or hemizygous individual. This variant has not been reported in the literature in individuals affected with VPS13B-related conditions. ClinVar contains an entry for this variant (Variation ID: 1038866). Invitae Evidence Modeling of protein sequence and biophysical properties (such as structural, functional, and spatial information, amino acid conservation, physicochemical variation, residue mobility, and thermodynamic stability) has been performed for this missense variant. However, the output from this modeling did not meet the statistical confidence thresholds required to predict the impact of this variant on VPS13B protein function. In summary, the available evidence is currently insufficient to determine the role of this variant in disease. Therefore, it has been classified as a Variant of Uncertain Significance.

NM_152564.5(VPS13B):c.6260G>A (p.Gly2087Asp)

Gene: VPS13B (vacuolar protein sorting 13 homolog B; plus strand). Cytogenetic location: 8q22.2.
Variant type: single nucleotide variant.
Coding change: c.6260G>A on transcript NM_152564.5 (MANE Select); coding-DNA position 6260, G replaced by A.
Protein change: p.Gly2087Asp; replaces glycine 2087 with aspartic acid.
Molecular consequence: missense variant.
Genome position (GRCh38, 1-based): chr8:99,699,738, G>A. VCF-style: chr8-99699738-G-A. GRCh37 (hg19) VCF-style: chr8-100711966-G-A.
Other names: c.6335G>A, p.Gly2112Asp (NM_017890.5); short protein forms G2087D, G2112D.
Identifiers: ClinVar variation 1038866 (VCV001038866.8), dbSNP rs1184175662, ClinGen allele CA371874782.